The following is an entry in ClinVar:

ClinVar aggregate classification (germline): Benign. Review status: criteria provided, multiple submitters, no conflicts (2 of 4 stars). 2 submissions from 2 submitters: Benign (2). Last evaluated 2018-01-13.

Conditions:
VPS13A-related neurodegenerative disease. Also called: Choreoacanthocytosis; Chorea-acanthocytosis; LEVINE-CRITCHLEY SYNDROME; Choreaacanthocytosis; ACANTHOCYTOSIS WITH NEUROLOGIC DISORDER; VPS13A Disease. Identifiers: Orphanet 2388, MedGen C0393576, MONDO:0008695, OMIM 200150.

Allele frequency attached by ClinVar (database versions not stated): gnomAD exomes 0.07609; 1000 Genomes Project 0.08746; gnomAD 0.08784 and 0.08857; TOPMed 0.09079.
gnomAD v4.1: 13,505 of 152,740 alleles (8.8%); highest among the groups gnomAD compares: Middle Eastern, 9.9%; 685 homozygotes.

Submissions (2):

Illumina Laboratory Services, Illumina
Classification: Benign for VPS13A-related neurodegenerative disease. Last evaluated: 2018-01-13. Review status: criteria provided, single submitter. Criteria: ICSL Variant Classification Criteria 13 December 2019. Collection method: clinical testing. Allele origin: germline.
Comment: This variant was observed in the ICSL laboratory as part of a predisposition screen in an ostensibly healthy population. It had not been previously curated by ICSL or reported in the Human Gene Mutation Database (HGMD: prior to June 1st, 2018), and was therefore a candidate for classification through an automated scoring system. Utilizing variant allele frequency, disease prevalence and penetrance estimates, and inheritance mode, an automated score was calculated to assess if this variant is too frequent to cause the disease. Based on the score and internal cut-off values, a variant classified as benign is not then subjected to further curation. The score for this variant resulted in a classification of benign for this disease.

Breakthrough Genomics
Classification: Benign. Review status: criteria provided, single submitter. Criteria: ACMG Guidelines, 2015. Collection method: not provided. Allele origin: germline. Inheritance: Autosomal recessive inheritance. Affected: yes.

NM_033305.3(VPS13A):c.*565G>A

Gene: VPS13A (vacuolar protein sorting 13 homolog A; plus strand). Cytogenetic location: 9q21.2.
Variant type: single nucleotide variant.
Coding change: c.*565G>A on transcript NM_033305.3 (MANE Select); 565 bases downstream of the stop codon, G replaced by A.
Molecular consequence: 3 prime UTR variant.
Genome position (GRCh38, 1-based): chr9:77,416,571, G>A. VCF-style: chr9-77416571-G-A. GRCh37 (hg19) VCF-style: chr9-80031487-G-A.
Other names: c.*565G>A (NM_001018037.2).
Identifiers: ClinVar variation 367442 (VCV000367442.6), dbSNP rs989391, ClinGen allele CA10634045.